The following is an entry in ClinVar:

NM_014855.3(AP5Z1):c.*586T>C

Gene: AP5Z1 (adaptor related protein complex 5 subunit zeta 1; plus strand). Cytogenetic location: 7p22.1.
Variant type: single nucleotide variant.
Coding change: c.*586T>C on transcript NM_014855.3 (MANE Select); 586 bases downstream of the stop codon, T replaced by C.
Molecular consequence: 3 prime UTR variant. On other transcripts: non-coding transcript variant (1).
Genome position (GRCh38, 1-based): chr7:4,791,971, T>C. VCF-style: chr7-4791971-T-C. GRCh37 (hg19) VCF-style: chr7-4831602-T-C.
Other names: c.*586T>C (NM_001364858.1).
Identifiers: ClinVar variation 910919 (VCV000910919.5), dbSNP rs34767537, ClinGen allele CA12454853.
Genomic context (GRCh38, chr7:4,791,971, plus strand): 5'-CGGAAGGCAGCGGCGCGAGTTCCCGGGTGTGGTCACCGCTCTGGGTGGTGCGCTTGTCAA[T>C]GCCCCTTTTGATGCCCTTGAATAGCCTGAAGATGAAGGGGACCGGGGGAGGGTTGCAAGC-3'

ClinVar aggregate classification (germline): Likely benign. Review status: criteria provided, multiple submitters, no conflicts (2 of 4 stars). 2 submissions from 2 submitters: Likely benign (2). Last evaluated 2017-04-27.

Conditions:
Hereditary spastic paraplegia 48. Also called: Spastic paraplegia 48; SPASTIC PARAPLEGIA 48, AUTOSOMAL RECESSIVE. Identifiers: Orphanet 306511, MedGen C3150901, MONDO:0013342, OMIM 613647.

Allele frequency attached by ClinVar (database versions not stated): 1000 Genomes Project 0.00499; 1000 Genomes Project 30x 0.00609; gnomAD exomes 0.01073; TOPMed 0.01255; gnomAD 0.01337 and 0.01362.
gnomAD v4.1: 2,045 of 152,766 alleles (1.3%); highest among the groups gnomAD compares: Middle Eastern, 3.4%; 21 homozygotes.

Submissions (2):

Illumina Laboratory Services, Illumina
Classification: Likely benign for Hereditary spastic paraplegia 48. Last evaluated: 2017-04-27. Review status: criteria provided, single submitter. Criteria: ICSL Variant Classification Criteria 13 December 2019. Collection method: clinical testing. Allele origin: germline.
Comment: This variant was observed as part of a predisposition screen in an ostensibly healthy population. A literature search was performed for the gene, cDNA change, and amino acid change (where applicable). No publications were found based on this search. Allele frequency data from public databases allowed determination this variant is unlikely to cause disease. Therefore, this variant is classified as likely benign.

Breakthrough Genomics
Classification: Likely benign. Review status: criteria provided, single submitter. Criteria: ACMG Guidelines, 2015. Collection method: not provided. Allele origin: germline. Inheritance: Autosomal recessive inheritance. Affected: yes.